The following is an entry in ClinVar:

ClinVar aggregate classification (germline): Uncertain significance. Review status: criteria provided, multiple submitters, no conflicts (2 of 4 stars). 3 submissions from 3 submitters: Uncertain significance (3). Last evaluated 2024-02-06.

Conditions:
Bardet-Biedl syndrome (BBS). Identifiers: Orphanet 110, MedGen C0752166, MONDO:0015229.
Sarcotubular myopathy (LGMDR8). Also called: Hutterite type of muscular dystrophy; Limb-girdle muscular dystrophy, type 2H; MUSCULAR DYSTROPHY, LIMB-GIRDLE, AUTOSOMAL RECESSIVE 8; Autosomal recessive limb-girdle muscular dystrophy type 2H. Identifiers: Orphanet 1878, MedGen C0270968, MONDO:0009683, OMIM 254110.
Bardet-Biedl syndrome 11 (BBS11). Identifiers: Orphanet 110, MedGen C1859569, MONDO:0014439, OMIM 615988.

gnomAD v4.1: 3 of 1,614,032 alleles (0.00019%); highest among the groups gnomAD compares: Non-Finnish European, 0.00025%; no homozygotes.

Submissions (3):

Fulgent Genetics
Classification: Uncertain significance for Sarcotubular myopathy; Bardet-Biedl syndrome 11. Last evaluated: 2024-02-06. Review status: criteria provided, single submitter. Criteria: ACMG Guidelines, 2015. Collection method: clinical testing. Allele origin: germline.

Labcorp Genetics (formerly Invitae), Labcorp
Classification: Uncertain significance for Bardet-Biedl syndrome. Last evaluated: 2022-03-18. Review status: criteria provided, single submitter. Criteria: Invitae Variant Classification Sherloc (09022015). Collection method: clinical testing. Allele origin: germline.
Comment: This sequence change replaces glutamine, which is neutral and polar, with lysine, which is basic and polar, at codon 234 of the TRIM32 protein (p.Gln234Lys). This variant is not present in population databases (gnomAD no frequency). This variant has not been reported in the literature in individuals affected with TRIM32-related conditions. ClinVar contains an entry for this variant (Variation ID: 287027). Algorithms developed to predict the effect of missense changes on protein structure and function (SIFT, PolyPhen-2, Align-GVGD) all suggest that this variant is likely to be tolerated. In summary, the available evidence is currently insufficient to determine the role of this variant in disease. Therefore, it has been classified as a Variant of Uncertain Significance.

Eurofins Ntd Llc (ga)
Classification: Uncertain significance. Last evaluated: 2016-03-23. Review status: criteria provided, single submitter. Criteria: EGL Classification Definitions 2015. Collection method: clinical testing. Allele origin: germline. Observed: 1 variant allele, 1 heterozygote.

NM_012210.4(TRIM32):c.700C>A (p.Gln234Lys)

Genes: ASTN2 (astrotactin 2; minus strand), TRIM32 (tripartite motif containing 32; plus strand). Cytogenetic location: 9q33.1.
Variant type: single nucleotide variant.
Coding change: c.700C>A on transcript NM_012210.4 (MANE Select); coding-DNA position 700, C replaced by A.
Protein change: p.Gln234Lys; replaces glutamine 234 with lysine.
Molecular consequence: missense variant. On other transcripts: intron variant (3).
Genome position (GRCh38, 1-based): chr9:116,698,442, C>A. VCF-style: chr9-116698442-C-A. GRCh37 (hg19) VCF-style: chr9-119460721-C-A.
Other names: c.700C>A, p.Gln234Lys (NM_001099679.2, NM_001379048.1, NM_001379049.1 and 1 more transcripts); c.2653+27329G>T (NM_014010.5); c.2794+27329G>T (NM_001365069.1); c.2806+27329G>T (NM_001365068.1); short protein forms Q234K.
Identifiers: ClinVar variation 287027 (VCV000287027.13), dbSNP rs886043553, ClinGen allele CA10605651.